The following is an entry in ClinVar:

ClinVar aggregate classification (germline): Conflicting classifications of pathogenicity. Review status: criteria provided, conflicting classifications (1 of 4 stars). 3 submissions from 3 submitters: Uncertain significance (2); Likely benign (1). Last evaluated 2025-08-29.

Conditions:
Inborn genetic diseases. Identifiers: MedGen C0950123, MeSH D030342.

Allele frequency attached by ClinVar (database versions not stated): gnomAD exomes 0.00001.
gnomAD v4.1: 19 of 1,613,758 alleles (0.0012%); highest among the groups gnomAD compares: Admixed American, 0.0017%; no homozygotes.

Submissions (3):

Ambry Genetics
Classification: Uncertain significance for Inborn genetic diseases. Last evaluated: 2025-08-29. Review status: criteria provided, single submitter. Criteria: Ambry Variant Classification Scheme 2023. Collection method: clinical testing. Allele origin: germline.

Blueprint Genetics
Classification: Likely benign. Last evaluated: 2024-05-29. Review status: criteria provided, single submitter. Criteria: ACMG Guidelines, 2015. Collection method: clinical testing. Allele origin: germline.

Labcorp Genetics (formerly Invitae), Labcorp
Classification: Uncertain significance. Last evaluated: 2021-09-24. Review status: criteria provided, single submitter. Criteria: Invitae Variant Classification Sherloc (09022015). Collection method: clinical testing. Allele origin: germline.
Comment: This sequence change replaces lysine with arginine at codon 3861 of the USH2A protein (p.Lys3861Arg). The lysine residue is moderately conserved and there is a small physicochemical difference between lysine and arginine. This variant is not present in population databases (ExAC no frequency). This variant has not been reported in the literature in individuals with USH2A-related conditions. Algorithms developed to predict the effect of missense changes on protein structure and function output the following: SIFT: "Tolerated"; PolyPhen-2: "Benign"; Align-GVGD: "Class C0". The arginine amino acid residue is found in multiple mammalian species, suggesting that this missense change does not adversely affect protein function. These predictions have not been confirmed by published functional studies and their clinical significance is uncertain. In summary, the available evidence is currently insufficient to determine the role of this variant in disease. Therefore, it has been classified as a Variant of Uncertain Significance.

NM_206933.4(USH2A):c.11582A>G (p.Lys3861Arg)

Gene: USH2A (usherin; minus strand). Cytogenetic location: 1q41.
Variant type: single nucleotide variant.
Coding change: c.11582A>G on transcript NM_206933.4 (MANE Select); coding-DNA position 11582, A replaced by G.
Protein change: p.Lys3861Arg; replaces lysine 3861 with arginine.
Molecular consequence: missense variant.
Genome position (GRCh38, 1-based): chr1:215,741,504, T>C on the plus strand (A>G on the coding strand, the complement: USH2A is on the minus strand). VCF-style: chr1-215741504-T-C. GRCh37 (hg19) VCF-style: chr1-215914846-T-C.
Other names: c.11582A>G (NM_206933.2); short protein forms K3861R.
Identifiers: ClinVar variation 2139743 (VCV002139743.3), dbSNP rs1016659222, ClinGen allele CA37405503.